The following is an entry in ClinVar:

ClinVar aggregate classification (germline): Uncertain significance (1 of 4 stars; one submission).

Submission:

Labcorp Genetics (formerly Invitae), Labcorp
Classification: Uncertain significance. Last evaluated: 2021-08-30. Review status: criteria provided, single submitter. Criteria: Invitae Variant Classification Sherloc (09022015). Collection method: clinical testing. Allele origin: germline.
Comment: This sequence change replaces leucine with isoleucine at codon 503 of the MERTK protein (p.Leu503Ile). The leucine residue is moderately conserved and there is a small physicochemical difference between leucine and isoleucine. This variant is not present in population databases (ExAC no frequency). This variant has not been reported in the literature in individuals affected with MERTK-related conditions. Algorithms developed to predict the effect of missense changes on protein structure and function output the following: SIFT: "Tolerated"; PolyPhen-2: "Benign"; Align-GVGD: "Class C0". The isoleucine amino acid residue is found in multiple mammalian species, which suggests that this missense change does not adversely affect protein function. In summary, the available evidence is currently insufficient to determine the role of this variant in disease. Therefore, it has been classified as a Variant of Uncertain Significance.

NM_006343.3(MERTK):c.1507C>A (p.Leu503Ile)

Gene: MERTK (MER proto-oncogene, tyrosine kinase; plus strand). Cytogenetic location: 2q13.
Variant type: single nucleotide variant.
Coding change: c.1507C>A on transcript NM_006343.3 (MANE Select); coding-DNA position 1507, C replaced by A.
Protein change: p.Leu503Ile; replaces leucine 503 with isoleucine.
Molecular consequence: missense variant.
Genome position (GRCh38, 1-based): chr2:111,997,379, C>A. VCF-style: chr2-111997379-C-A. GRCh37 (hg19) VCF-style: chr2-112754956-C-A.
Other names: short protein forms L503I.
Identifiers: ClinVar variation 961028 (VCV000961028.7), dbSNP rs1676769706, ClinGen allele CA348231270.